The following is an entry in ClinVar:

NM_001005242.3(PKP2):c.193G>T (p.Ala65Ser)

Gene: PKP2 (plakophilin 2; minus strand). Cytogenetic location: 12p11.21.
Variant type: single nucleotide variant.
Coding change: c.193G>T on transcript NM_001005242.3 (MANE Select); coding-DNA position 193, G replaced by T.
Protein change: p.Ala65Ser; replaces alanine 65 with serine.
Molecular consequence: missense variant.
Genome position (GRCh38, 1-based): chr12:32,896,539, C>A on the plus strand (G>T on the coding strand, the complement: PKP2 is on the minus strand). VCF-style: chr12-32896539-C-A. GRCh37 (hg19) VCF-style: chr12-33049473-C-A.
Other names: c.193G>T, p.Ala65Ser (NM_004572.4); short protein forms A65S.
Identifiers: ClinVar variation 45050 (VCV000045050.23), dbSNP rs143323961, ClinGen allele CA011573.

ClinVar aggregate classification (germline): Uncertain significance. Review status: criteria provided, multiple submitters, no conflicts (2 of 4 stars). 6 submissions from 6 submitters: Uncertain significance (6). Last evaluated 2025-10-21.

Conditions:
Cardiovascular phenotype. Identifiers: MedGen CN230736.
Arrhythmogenic right ventricular cardiomyopathy (ARVD). Also called: Arrhythmogenic right ventricular dysplasia; Arrhythmogenic cardiomyopathy; Arrhythmogenic Right Ventricular Cardiomyopathy (ARVC); Cardiomyopathy, ARVC. Identifiers: Orphanet 247, MedGen C0349788, MeSH D019571, MONDO:0016587. Disease mechanism: loss of function. Inheritance: Various modes of inheritance.
Cardiomyopathy (CMYO). Also called: Cardiomyopathies. Identifiers: Orphanet 167848, MedGen C0878544, MONDO:0004994, HP:0001638. Inheritance: Various modes of inheritance.
Arrhythmogenic right ventricular dysplasia 9 (ARVD9). Also called: ARRHYTHMOGENIC RIGHT VENTRICULAR DYSPLASIA, FAMILIAL, 9; Arrhythmogenic Right Ventricular Dysplasia/Cardiomyopathy 9. Identifiers: MedGen C1836906, MONDO:0012180, OMIM 609040.

Allele frequency attached by ClinVar (database versions not stated): gnomAD 0.00002; TOPMed 0.00002.
gnomAD v4.1: 7 of 1,572,814 alleles (0.00045%); highest among the groups gnomAD compares: African/African-American, 0.0014%; no homozygotes.

Submissions (6):

Ambry Genetics
Classification: Uncertain significance for Cardiovascular phenotype. Last evaluated: 2025-10-21. Review status: criteria provided, single submitter. Criteria: Ambry Variant Classification Scheme 2023. Collection method: clinical testing. Allele origin: germline.
Comment: The c.193G>T (p.A65S) alteration is located in exon 1 (coding exon 1) of the PKP2 gene. This alteration results from a G to T substitution at nucleotide position 193, causing the alanine (A) at amino acid position 65 to be replaced by a serine (S). Based on data from gnomAD, the T allele has an overall frequency of <0.001% (0/204818) total alleles studied. The highest observed frequency was <0.001% (/) of alleles. Based on insufficient or conflicting evidence, the clinical significance of this alteration remains unclear.

Labcorp Genetics (formerly Invitae), Labcorp
Classification: Uncertain significance for Arrhythmogenic right ventricular dysplasia 9. Last evaluated: 2025-09-19. Review status: criteria provided, single submitter. Criteria: Invitae Variant Classification Sherloc (09022015). Collection method: clinical testing. Allele origin: germline.
Comment: This sequence change replaces alanine, which is neutral and non-polar, with serine, which is neutral and polar, at codon 65 of the PKP2 protein (p.Ala65Ser). This variant is not present in population databases (gnomAD no frequency). This missense change has been observed in individual(s) with arrhythmogenic right ventricular cardiomyopathy, left ventricular non-compaction, and/or unspecified arrhythmia (PMID: 20400443, 30847666, 33500567). ClinVar contains an entry for this variant (Variation ID: 45050). An algorithm developed to predict the effect of missense changes on protein structure and function (PolyPhen-2) suggests that this variant is likely to be disruptive. In summary, the available evidence is currently insufficient to determine the role of this variant in disease. Therefore, it has been classified as a Variant of Uncertain Significance.

All of Us Research Program, National Institutes of Health
Classification: Uncertain significance for Arrhythmogenic right ventricular cardiomyopathy. Last evaluated: 2024-04-25. Review status: criteria provided, single submitter. Criteria: ACMG Guidelines, 2015. Collection method: clinical testing. Allele origin: germline. Inheritance: Autosomal dominant inheritance. Observed: 5 variant alleles, 5 heterozygotes.
Comment: This missense variant replaces alanine with serine at codon 65 of the PKP2 protein. Computational prediction suggests that this variant may not impact protein structure and function (internally defined REVEL score threshold <= 0.5, PMID: 27666373). To our knowledge, functional studies have not been reported for this variant. This variant has been reported in an individual affected with arrhythmogenic right ventricular cardiomyopathy (PMID: 20400443). This variant has not been identified in the general population by the Genome Aggregation Database (gnomAD). The available evidence is insufficient to determine the role of this variant in disease conclusively. Therefore, this variant is classified as a Variant of Uncertain Significance.

This study involves interpretation of variants in research participants for the purpose of population health screening. Participant phenotype was not available at the time of variant classification. Additional details can be found in publication PMID: 35346344, PMCID: PMC8962531

Color Diagnostics, LLC DBA Color Health
Classification: Uncertain significance for Cardiomyopathy. Last evaluated: 2024-04-09. Review status: criteria provided, single submitter. Criteria: ACMG Guidelines, 2015. Collection method: clinical testing. Allele origin: germline.
Comment: This missense variant replaces alanine with serine at codon 65 of the PKP2 protein. Computational prediction suggests that this variant may not impact protein structure and function (internally defined REVEL score threshold <= 0.5, PMID: 27666373). To our knowledge, functional studies have not been reported for this variant. This variant has been reported in an individual affected with arrhythmogenic right ventricular cardiomyopathy (PMID: 20400443). This variant has not been identified in the general population by the Genome Aggregation Database (gnomAD). The available evidence is insufficient to determine the role of this variant in disease conclusively. Therefore, this variant is classified as a Variant of Uncertain Significance.

Illumina Laboratory Services, Illumina
Classification: Uncertain significance for Arrhythmogenic right ventricular dysplasia 9. Last evaluated: 2017-04-27. Review status: criteria provided, single submitter. Criteria: ICSL Variant Classification Criteria 13 December 2019. Collection method: clinical testing. Allele origin: germline.
Comment: This variant was observed as part of a predisposition screen in an ostensibly healthy population. A literature search was performed for the gene, cDNA change, and amino acid change (where applicable). Publications were found based on this search. However, the evidence from the literature, in combination with allele frequency data from public databases where available, was not sufficient to rule this variant in or out of causing disease. Therefore, this variant is classified as a variant of unknown significance.

Laboratory for Molecular Medicine, Mass General Brigham Personalized Medicine
Classification: Uncertain significance. Last evaluated: 2013-02-22. Review status: criteria provided, single submitter. Criteria: LMM Criteria. Collection method: clinical testing. Allele origin: germline. Observed: 1 variant allele.
Comment: The Ala65Ser variant in PKP2 has been reported in one proband with ARVD/C and wa s absent from 600 control chromosomes (Fressart 2010). The frequency of this var iant in large European American and African American populations screened by the NHLBI Exome Sequencing Project cannot be de termined because coverage at this position was insufficient or unavailable. Alan ine at position 65 is conserved in mammals and frog but not in more distant spec ies (zebrafish carries the variant amino acid, serine). This does not rule out a disease causing role. Additional information is needed to fully assess the vari ant's clinical significance.

Literature cited by the submitters: PubMed 20400443 (cited by 5 submitters); PubMed 30847666 (cited by Labcorp Genetics (formerly Invitae), Labcorp); PubMed 33500567 (cited by Labcorp Genetics (formerly Invitae), Labcorp).